The following is an entry in ClinVar:

ClinVar aggregate classification (germline): Uncertain significance. Review status: criteria provided, multiple submitters, no conflicts (2 of 4 stars). 2 submissions from 2 submitters: Uncertain significance (2). Last evaluated 2026-01-22.

Allele frequency attached by ClinVar (database versions not stated): ExAC 0.00012.
gnomAD v4.1: 161 of 1,607,702 alleles (0.01%); highest among the groups gnomAD compares: Admixed American, 0.02%; no homozygotes.

Submissions (2):

Labcorp Genetics (formerly Invitae), Labcorp
Classification: Uncertain significance. Last evaluated: 2026-01-22. Review status: criteria provided, single submitter. Criteria: Invitae Variant Classification Sherloc (09022015). Collection method: clinical testing. Allele origin: germline.
Comment: This sequence change replaces arginine, which is basic and polar, with cysteine, which is neutral and slightly polar, at codon 754 of the FUK protein (p.Arg754Cys). This variant is present in population databases (rs750892267, gnomAD 0.01%). This variant has not been reported in the literature in individuals affected with FUK-related conditions. ClinVar contains an entry for this variant (Variation ID: 2043968). An algorithm developed to predict the effect of missense changes on protein structure and function outputs the following: PolyPhen-2: "Benign". The cysteine amino acid residue is found in multiple mammalian species, which suggests that this missense change does not adversely affect protein function. In summary, the available evidence is currently insufficient to determine the role of this variant in disease. Therefore, it has been classified as a Variant of Uncertain Significance.

Ambry Genetics
Classification: Uncertain significance. Last evaluated: 2021-07-09. Review status: criteria provided, single submitter. Criteria: Ambry Variant Classification Scheme 2023. Collection method: clinical testing. Allele origin: germline.

NM_145059.3(FCSK):c.2260C>T (p.Arg754Cys)

Gene: FCSK (fucose kinase; plus strand). Cytogenetic location: 16q22.1.
Variant type: single nucleotide variant.
Coding change: c.2260C>T on transcript NM_145059.3 (MANE Select); coding-DNA position 2260, C replaced by T.
Protein change: p.Arg754Cys; replaces arginine 754 with cysteine.
Molecular consequence: missense variant.
Genome position (GRCh38, 1-based): chr16:70,474,894, C>T. VCF-style: chr16-70474894-C-T. GRCh37 (hg19) VCF-style: chr16-70508797-C-T.
Other names: c.2260C>T (NM_145059.2); short protein forms R754C.
Identifiers: ClinVar variation 2043968 (VCV002043968.5), dbSNP rs750892267, ClinGen allele CA8143540.